The following is an entry in ClinVar:

NM_000059.4(BRCA2):c.4088A>G (p.Asn1363Ser)

Gene: BRCA2 (BRCA2 DNA repair associated; plus strand). Cytogenetic location: 13q13.1.
Variant type: single nucleotide variant.
Coding change: c.4088A>G on transcript NM_000059.4 (MANE Select); coding-DNA position 4088, A replaced by G.
Protein change: p.Asn1363Ser; replaces asparagine 1363 with serine.
Molecular consequence: missense variant.
Genome position (GRCh38, 1-based): chr13:32,338,443, A>G. VCF-style: chr13-32338443-A-G. GRCh37 (hg19) VCF-style: chr13-32912580-A-G.
Other names: short protein forms N1363S.
Identifiers: ClinVar variation 462322 (VCV000462322.20), dbSNP rs1165204072, ClinGen allele CA387779211.

ClinVar aggregate classification (germline): Conflicting classifications of pathogenicity. Review status: criteria provided, conflicting classifications (1 of 4 stars). 6 submissions from 6 submitters: Uncertain significance (5); Likely benign (1). Last evaluated 2025-11-25.

Conditions:
Hereditary cancer-predisposing syndrome. Also called: Hereditary neoplastic syndrome; Neoplastic Syndromes, Hereditary; Tumor predisposition; Hereditary Cancer Syndrome. Identifiers: Orphanet 140162, MedGen C0027672, MeSH D009386, MONDO:0015356.
Hereditary breast ovarian cancer syndrome. Also called: Hereditary breast and/or ovarian cancer syndrome; BRCA1- and BRCA2-Associated Hereditary Breast and Ovarian Cancer; Hereditary breast and ovarian cancer; Breast and ovarian cancer; Hereditary breast and ovarian cancer syndrome; Hereditary breast and ovarian cancer syndrome (HBOC). Identifiers: Orphanet 145, MedGen C0677776, MeSH D061325, MONDO:0003582. Disease mechanism: loss of function.
Breast-ovarian cancer, familial, susceptibility to, 2 (BROVCA2). Also called: BRCA2 Hereditary Breast and Ovarian Cancer. Identifiers: Orphanet 145, MedGen C2675520, MONDO:0012933, OMIM 612555. Disease mechanism: loss of function.

Allele frequency attached by ClinVar (database versions not stated): gnomAD exomes below 0.00001 and 0.00001.
gnomAD v4.1: 2 of 1,611,908 alleles (0.00012%); highest among the groups gnomAD compares: Admixed American, 0.0034%; no homozygotes.

Submissions (6):

Labcorp Genetics (formerly Invitae), Labcorp
Classification: Uncertain significance for Hereditary breast ovarian cancer syndrome. Last evaluated: 2025-11-25. Review status: criteria provided, single submitter. Criteria: Invitae Variant Classification Sherloc (09022015). Collection method: clinical testing. Allele origin: germline.
Comment: This sequence change replaces asparagine, which is neutral and polar, with serine, which is neutral and polar, at codon 1363 of the BRCA2 protein (p.Asn1363Ser). This variant is present in population databases (no rsID available, gnomAD 0.006%). This variant has not been reported in the literature in individuals affected with BRCA2-related conditions. ClinVar contains an entry for this variant (Variation ID: 462322). Invitae Evidence Modeling of protein sequence and biophysical properties (such as structural, functional, and spatial information, amino acid conservation, physicochemical variation, residue mobility, and thermodynamic stability) indicates that this missense variant is not expected to disrupt BRCA2 protein function with a negative predictive value of 95%. In summary, the available evidence is currently insufficient to determine the role of this variant in disease. Therefore, it has been classified as a Variant of Uncertain Significance.

Ambry Genetics
Classification: Uncertain significance for Hereditary cancer-predisposing syndrome. Last evaluated: 2024-10-24. Review status: criteria provided, single submitter. Criteria: Ambry Variant Classification Scheme 2023. Collection method: clinical testing. Allele origin: germline.
Comment: The p.N1363S variant (also known as c.4088A>G), located in coding exon 10 of the BRCA2 gene, results from an A to G substitution at nucleotide position 4088. The asparagine at codon 1363 is replaced by serine, an amino acid with highly similar properties. This amino acid position is not well conserved in available vertebrate species. In addition, this alteration is predicted to be tolerated by in silico analysis. Since supporting evidence is limited at this time, the clinical significance of this alteration remains unclear.

GeneDx
Classification: Uncertain significance. Last evaluated: 2023-11-07. Review status: criteria provided, single submitter. Criteria: GeneDx Variant Classification Process June 2021. Collection method: clinical testing. Allele origin: germline. Affected: yes.
Comment: Not observed at significant frequency in large population cohorts (gnomAD); In silico analysis supports that this missense variant has a deleterious effect on protein structure/function; Has not been previously published as pathogenic or benign to our knowledge; Also known as 4316A>G; This variant is associated with the following publications: (PMID: 29884841, 32377563, 31131967)

All of Us Research Program, National Institutes of Health
Classification: Uncertain significance for Breast-ovarian cancer, familial, susceptibility to, 2. Last evaluated: 2023-09-17. Review status: criteria provided, single submitter. Criteria: ACMG Guidelines, 2015. Collection method: clinical testing. Allele origin: germline. Inheritance: Autosomal dominant inheritance. Observed: 1 variant allele, 1 heterozygote.
Comment: This missense variant replaces asparagine with serine at 1363 codon of the BRCA2 protein. Computational prediction suggests that this variant may not impact protein structure and function (internally defined REVEL score threshold <= 0.5, PMID: 27666373). To our knowledge, functional studies have not been reported for this variant. This variant has been reported in an unaffected individual (PMID: 33471991) and in a multifactorial analysis with co-occurrence and family history likelihood ratios for pathogenicity of 1.0246 and 0.8796, respectively (PMID: 31131967). This variant has been identified in 2/249440 chromosomes in the general population by the Genome Aggregation Database (gnomAD). The available evidence is insufficient to determine the role of this variant in disease conclusively. Therefore, this variant is classified as a Variant of Uncertain Significance.

This study involves interpretation of variants in research participants for the purpose of population health screening. Participant phenotype was not available at the time of variant classification. Additional details can be found in publication PMID: 35346344, PMCID: PMC8962531

Color Diagnostics, LLC DBA Color Health
Classification: Uncertain significance for Hereditary cancer-predisposing syndrome. Last evaluated: 2023-08-31. Review status: criteria provided, single submitter. Criteria: ACMG Guidelines, 2015. Collection method: clinical testing. Allele origin: germline.
Comment: This missense variant replaces asparagine with serine at 1363 codon of the BRCA2 protein. Computational prediction suggests that this variant may not impact protein structure and function (internally defined REVEL score threshold <= 0.5, PMID: 27666373). To our knowledge, functional studies have not been reported for this variant. This variant has been reported in an unaffected individual (PMID: 33471991) and in a multifactorial analysis with co-occurrence and family history likelihood ratios for pathogenicity of 1.0246 and 0.8796, respectively (PMID: 31131967). This variant has been identified in 2/249440 chromosomes in the general population by the Genome Aggregation Database (gnomAD). The available evidence is insufficient to determine the role of this variant in disease conclusively. Therefore, this variant is classified as a Variant of Uncertain Significance.

University of Washington Department of Laboratory Medicine, University of Washington
Classification: Likely benign for Hereditary cancer-predisposing syndrome. Last evaluated: 2023-03-23. Review status: criteria provided, single submitter. Criteria: Dines et al. (Genet Med. 2020). Collection method: curation. Allele origin: germline.
Comment: Missense variant in a coldspot region where missense variants are very unlikely to be pathogenic (PMID:31911673).

BRCA2 exon 11 coldspot. Reclassification based on statistical prior probability.

Literature cited by the submitters: PubMed 31131967 (cited by All of Us Research Program, National Institutes of Health and Color Diagnostics, LLC DBA Color Health); PubMed 33471991 (cited by All of Us Research Program, National Institutes of Health and Color Diagnostics, LLC DBA Color Health).